The following is an entry in ClinVar:

NM_005548.3(KARS1):c.1660G>T (p.Val554Phe)

Gene: KARS1 (lysyl-tRNA synthetase 1; minus strand). Cytogenetic location: 16q23.1.
Variant type: single nucleotide variant.
Coding change: c.1660G>T on transcript NM_005548.3 (MANE Select); coding-DNA position 1660, G replaced by T.
Protein change: p.Val554Phe; replaces valine 554 with phenylalanine.
Molecular consequence: missense variant.
Genome position (GRCh38, 1-based): chr16:75,628,604, C>A on the plus strand (G>T on the coding strand, the complement: KARS1 is on the minus strand). VCF-style: chr16-75628604-C-A. GRCh37 (hg19) VCF-style: chr16-75662502-C-A.
Other names: c.1744G>T, p.Val582Phe (NM_001130089.2); c.1192G>T, p.Val398Phe (NM_001378148.1); short protein forms V398F, V554F, V582F.
Identifiers: ClinVar variation 1682409 (VCV001682409.6), dbSNP rs1381793007, ClinGen allele CA396809549.

ClinVar aggregate classification (germline): Uncertain significance (1 of 4 stars; one submission).

Submission:

Labcorp Genetics (formerly Invitae), Labcorp
Classification: Uncertain significance. Last evaluated: 2025-07-10. Review status: criteria provided, single submitter. Criteria: Invitae Variant Classification Sherloc (09022015). Collection method: clinical testing. Allele origin: germline.
Comment: This sequence change replaces valine, which is neutral and non-polar, with phenylalanine, which is neutral and non-polar, at codon 582 of the KARS protein (p.Val582Phe). This variant is not present in population databases (gnomAD no frequency). This variant has not been reported in the literature in individuals affected with KARS-related conditions. ClinVar contains an entry for this variant (Variation ID: 1682409). Invitae Evidence Modeling of protein sequence and biophysical properties (such as structural, functional, and spatial information, amino acid conservation, physicochemical variation, residue mobility, and thermodynamic stability) indicates that this missense variant is not expected to disrupt KARS protein function with a negative predictive value of 80%. In summary, the available evidence is currently insufficient to determine the role of this variant in disease. Therefore, it has been classified as a Variant of Uncertain Significance.